The following is an entry in ClinVar:

ClinVar aggregate classification (germline): Uncertain significance (1 of 4 stars; one submission).

Conditions:
Primary ciliary dyskinesia. Also called: Ciliary dyskinesia. Identifiers: Orphanet 244, MedGen C0008780, MONDO:0016575, HP:0012265.

Allele frequency attached by ClinVar (database versions not stated): gnomAD exomes 0.00001.
gnomAD v4.1: 8 of 1,590,086 alleles (0.0005%); highest among the groups gnomAD compares: African/African-American, 0.0095%; no homozygotes.

Submission:

Labcorp Genetics (formerly Invitae), Labcorp
Classification: Uncertain significance for Primary ciliary dyskinesia. Last evaluated: 2025-06-12. Review status: criteria provided, single submitter. Criteria: Invitae Variant Classification Sherloc (09022015). Collection method: clinical testing. Allele origin: germline.
Comment: This sequence change affects codon 4169 of the DNAH11 mRNA. It is a 'silent' change, meaning that it does not change the encoded amino acid sequence of the DNAH11 protein. This variant also falls at the last nucleotide of exon 76, which is part of the consensus splice site for this exon. This variant is not present in population databases (gnomAD no frequency). This variant has not been reported in the literature in individuals affected with DNAH11-related conditions. ClinVar contains an entry for this variant (Variation ID: 837203). Variants that disrupt the consensus splice site are a relatively common cause of aberrant splicing (PMID: 17576681, 9536098). Algorithms developed to predict the effect of sequence changes on RNA splicing suggest that this variant is not likely to affect RNA splicing. In summary, the available evidence is currently insufficient to determine the role of this variant in disease. Therefore, it has been classified as a Variant of Uncertain Significance.

Literature cited by the submitters: PubMed 17576681; PubMed 9536098.

NM_001277115.2(DNAH11):c.12507G>C (p.Leu4169=)

Gene: DNAH11 (dynein axonemal heavy chain 11; plus strand). Cytogenetic location: 7p15.3.
Variant type: single nucleotide variant.
Coding change: c.12507G>C on transcript NM_001277115.2 (MANE Select); coding-DNA position 12507, G replaced by C.
Protein change: p.Leu4169=; no amino-acid change (leucine 4169 retained).
Molecular consequence: synonymous variant.
Genome position (GRCh38, 1-based): chr7:21,884,410, G>C. VCF-style: chr7-21884410-G-C. GRCh37 (hg19) VCF-style: chr7-21924028-G-C.
Identifiers: ClinVar variation 837203 (VCV000837203.6), dbSNP rs113963998, ClinGen allele CA155163001.